The following is an entry in ClinVar:

NM_032043.3(BRIP1):c.1443T>C (p.Gly481=)

Gene: BRIP1 (BRCA1 interacting DNA helicase 1; minus strand). Cytogenetic location: 17q23.2.
Variant type: single nucleotide variant.
Coding change: c.1443T>C on transcript NM_032043.3 (MANE Select); coding-DNA position 1443, T replaced by C.
Protein change: p.Gly481=; no amino-acid change (glycine 481 retained).
Molecular consequence: synonymous variant.
Genome position (GRCh38, 1-based): chr17:61,793,627, A>G on the plus strand (T>C on the coding strand, the complement: BRIP1 is on the minus strand). VCF-style: chr17-61793627-A-G. GRCh37 (hg19) VCF-style: chr17-59870988-A-G.
Identifiers: ClinVar variation 392283 (VCV000392283.24), dbSNP rs775431508, ClinGen allele CA8690742.

ClinVar aggregate classification (germline): Benign/Likely benign. Review status: criteria provided, multiple submitters, no conflicts (2 of 4 stars). 8 submissions from 8 submitters: Benign (1); Likely benign (6). 1 of the submissions does not count toward it. Last evaluated 2025-12-31.

Conditions:
BRIP1-related disorder. Also called: BRIP1-related condition; BRIP1-related disorders. Identifiers: MedGen CN239206.
Familial cancer of breast. Also called: BREAST CANCER, FAMILIAL; hereditary breast carcinoma; Hereditary breast cancer. Identifiers: Orphanet 227535, MedGen C0346153, MONDO:0016419, OMIM 114480. Disease mechanism: loss of function.
Fanconi anemia complementation group J. Also called: BRIP1-Related Fanconi Anemia. Identifiers: Orphanet 84, MedGen C1836860, MONDO:0012187, OMIM 609054.
Hereditary cancer-predisposing syndrome. Also called: Neoplastic Syndromes, Hereditary; Hereditary neoplastic syndrome; Tumor predisposition; Hereditary Cancer Syndrome. Identifiers: Orphanet 140162, MedGen C0027672, MeSH D009386, MONDO:0015356.

Allele frequency attached by ClinVar (database versions not stated): gnomAD exomes 0.00001 and 0.00004; TOPMed 0.00003; ExAC 0.00006.
gnomAD v4.1: 9 of 1,608,110 alleles (0.00056%); highest among the groups gnomAD compares: Admixed American, 0.015%; no homozygotes.

Submissions (8):

Labcorp Genetics (formerly Invitae), Labcorp
Classification: Likely benign for Familial cancer of breast; Fanconi anemia complementation group J. Last evaluated: 2025-12-31. Review status: criteria provided, single submitter. Criteria: Invitae Variant Classification Sherloc (09022015). Collection method: clinical testing. Allele origin: germline.

Myriad Genetics, Inc.
Classification: Benign for Familial cancer of breast. Last evaluated: 2024-08-27. Review status: criteria provided, single submitter. Criteria: Myriad Autosomal Dominant, Autosomal Recessive and X-Linked Classification Criteria (2023). Collection method: clinical testing. Allele origin: unknown.
Comment: This variant is considered benign. This variant is a silent/synonymous amino acid change and it is not expected to impact splicing.

Quest Diagnostics Nichols Institute San Juan Capistrano
Classification: Likely benign. Last evaluated: 2023-05-07. Review status: criteria provided, single submitter. Criteria: Quest Diagnostics criteria. Collection method: clinical testing. Allele origin: unknown.

Women's Health and Genetics/Laboratory Corporation of America, LabCorp
Classification: Likely benign. Last evaluated: 2023-02-04. Review status: criteria provided, single submitter. Criteria: LabCorp Variant Classification Summary - May 2015. Collection method: clinical testing. Allele origin: germline.

Color Diagnostics, LLC DBA Color Health
Classification: Likely benign for Hereditary cancer-predisposing syndrome. Last evaluated: 2018-09-26. Review status: criteria provided, single submitter. Criteria: ACMG Guidelines, 2015. Collection method: clinical testing. Allele origin: germline.

GeneDx
Classification: Likely benign. Last evaluated: 2017-10-09. Review status: criteria provided, single submitter. Criteria: GeneDx Variant Classification (06012015). Collection method: clinical testing. Allele origin: germline. Affected: yes.
Comment: This variant is considered likely benign or benign based on one or more of the following criteria: it is a conservative change, it occurs at a poorly conserved position in the protein, it is predicted to be benign by multiple in silico algorithms, and/or has population frequency not consistent with disease.

Ambry Genetics
Classification: Likely benign for Hereditary cancer-predisposing syndrome. Last evaluated: 2016-03-24. Review status: criteria provided, single submitter. Criteria: Ambry Variant Classification Scheme 2023. Collection method: clinical testing. Allele origin: germline.

PreventionGenetics, part of Exact Sciences
Classification: Likely benign for BRIP1-related condition. Last evaluated: 2019-12-26. Review status: no assertion criteria provided. Collection method: clinical testing. Allele origin: germline. Not counted in ClinVar's aggregate classification.
Comment: This variant is classified as likely benign based on ACMG/AMP sequence variant interpretation guidelines (Richards et al. 2015 PMID: 25741868, with internal and published modifications).